The following is an entry in ClinVar:

ClinVar aggregate classification (germline): Uncertain significance. Review status: criteria provided, multiple submitters, no conflicts (2 of 4 stars). 3 submissions from 3 submitters: Uncertain significance (3). Last evaluated 2026-06-29.

Conditions:
Fanconi anemia (FA). Also called: Fanconi's anemia. Identifiers: Orphanet 84, MedGen C0015625, MeSH D005199, MONDO:0019391.
Inborn genetic diseases. Identifiers: MedGen C0950123, MeSH D030342.

Submissions (3):

Ambry Genetics
Classification: Uncertain significance for Inborn genetic diseases. Last evaluated: 2026-06-29. Review status: criteria provided, single submitter. Criteria: Ambry Variant Classification Scheme 2023. Collection method: clinical testing. Allele origin: germline.
Comment: The p.H1841R variant (also known as c.5522A>G), located in coding exon 21 of the FANCM gene, results from an A to G substitution at nucleotide position 5522. The histidine at codon 1841 is replaced by arginine, an amino acid with highly similar properties. This amino acid position is conserved. In addition, this alteration is predicted to be tolerated by in silico analysis. Based on the available evidence, the clinical significance of this variant remains unclear.

Labcorp Genetics (formerly Invitae), Labcorp
Classification: Uncertain significance for Fanconi anemia. Last evaluated: 2025-12-24. Review status: criteria provided, single submitter. Criteria: Invitae Variant Classification Sherloc (09022015). Collection method: clinical testing. Allele origin: germline.
Comment: This sequence change replaces histidine, which is basic and polar, with arginine, which is basic and polar, at codon 1841 of the FANCM protein (p.His1841Arg). This variant is not present in population databases (gnomAD no frequency). This variant has not been reported in the literature in individuals affected with FANCM-related conditions. ClinVar contains an entry for this variant (Variation ID: 3901432). An algorithm developed to predict the effect of missense changes on protein structure and function (PolyPhen-2) suggests that this variant is likely to be disruptive. In summary, the available evidence is currently insufficient to determine the role of this variant in disease. Therefore, it has been classified as a Variant of Uncertain Significance.

GeneDx
Classification: Uncertain significance. Last evaluated: 2024-12-09. Review status: criteria provided, single submitter. Criteria: GeneDx Variant Classification Process June 2021. Collection method: clinical testing. Allele origin: germline. Affected: yes.
Comment: Not observed at significant frequency in large population cohorts (gnomAD); In silico analysis supports that this missense variant has a deleterious effect on protein structure/function; Has not been previously published as pathogenic or benign to our knowledge

NM_020937.4(FANCM):c.5522A>G (p.His1841Arg)

Gene: FANCM (FA complementation group M; plus strand). Cytogenetic location: 14q21.2.
Variant type: single nucleotide variant.
Coding change: c.5522A>G on transcript NM_020937.4 (MANE Select); coding-DNA position 5522, A replaced by G.
Protein change: p.His1841Arg; replaces histidine 1841 with arginine.
Molecular consequence: missense variant.
Genome position (GRCh38, 1-based): chr14:45,196,353, A>G. VCF-style: chr14-45196353-A-G. GRCh37 (hg19) VCF-style: chr14-45665556-A-G.
Other names: c.5444A>G, p.His1815Arg (NM_001308133.2); short protein forms H1815R, H1841R.
Identifiers: ClinVar variation 3901432 (VCV003901432.3).
Genomic context (GRCh38, chr14:45,196,353, plus strand): 5'-TTGTAGGTGGTCATGAAATCACTTCTGGATTAGAAGTAATTTCTTCCCTAAGAGCAATTC[A>G]TGGGTTGCAAGTAGAAGTTTGTCCTCTTAATGGCTGTGATTACATCGTGAGTAATCGCAT-3'
Protein context (NP_065988.1, residues 1831-1851): LEVISSLRAI[His1841Arg]GLQVEVCPLN